The following is an entry in ClinVar:

NM_139276.3(STAT3):c.1844AAG[1] (p.Glu616del)

Gene: STAT3 (signal transducer and activator of transcription 3; minus strand). Cytogenetic location: 17q21.2.
Variant type: Microsatellite.
Coding change: c.1844AAG[1] on transcript NM_139276.3 (MANE Select); one copy of the 3-base unit AAG starting at c.1844; the reference has two copies in a row; one copy, 3 bases deleted.
Protein change: p.Glu616del; deletes glutamic acid 616.
Molecular consequence: inframe deletion.
Genome position (GRCh38, 1-based): chr17:42,323,043-42,323,045, CTT deleted on the plus strand (AAG on the coding strand, the reverse complement: STAT3 is on the minus strand); deleting any 3 consecutive bases within chr17:42,323,043-42,323,048 gives the same sequence; the position shown is the placement nearest the transcript's 3' end. VCF-style (leftmost placement, unchanged base first): chr17-42323042-CCTT-C. GRCh37 (hg19) VCF-style: chr17-40475060-CCTT-C.
Other names: c.1844AAG[1], p.Glu616del (NM_001369512.1, NM_001369513.1, NM_001369514.1 and 9 more transcripts); c.1760AAG[1], p.Glu588del (NM_001384984.1); c.1766AAG[1], p.Glu590del (NM_001384985.1); c.1859AAG[1], p.Glu621del (NM_001384986.1, NM_001384990.1); c.1823AAG[1], p.Glu609del (NM_001384987.1); c.1748AAG[1], p.Glu584del (NM_001384989.1); c.1817AAG[1], p.Glu607del (NM_001384991.1); c.1784AAG[1], p.Glu596del (NM_001384992.1); short protein forms E584del, E588del, E590del, E596del, E607del, E609del, E616del, E621del.
Identifiers: ClinVar variation 3761042 (VCV003761042.2).

ClinVar aggregate classification (germline): Uncertain significance (1 of 4 stars; one submission).

Conditions:
Hyper-IgE recurrent infection syndrome 1, autosomal dominant. Also called: STAT3 Hyper IgE Syndrome; Hyper-IgE recurrent infection syndrome 1; JOB SYNDROME; Job's Syndrome; HYPER-IgE SYNDROME 1, AUTOSOMAL DOMINANT, WITH RECURRENT INFECTIONS. Identifiers: Orphanet 2314, MedGen C2936739, MONDO:0007818, OMIM 147060.
STAT3 gain of function. Identifiers: MedGen C4288261.

Submission:

Labcorp Genetics (formerly Invitae), Labcorp
Classification: Uncertain significance for STAT3 gain of function; Hyper-IgE recurrent infection syndrome 1, autosomal dominant. Last evaluated: 2024-08-08. Review status: criteria provided, single submitter. Criteria: Invitae Variant Classification Sherloc (09022015). Collection method: clinical testing. Allele origin: germline.
Comment: This variant, c.1847_1849del, results in the deletion of 1 amino acid(s) of the STAT3 protein (p.Glu616del), but otherwise preserves the integrity of the reading frame. This variant is not present in population databases (gnomAD no frequency). This variant has been observed in individual(s) with clinical features of STAT3-related conditions (PMID: 29378236, 36228738). Algorithms developed to predict the effect of variants on gene product structure and function are not available or were not evaluated for this variant. Experimental studies have shown that this variant affects STAT3 function (PMID: 29378236). In summary, the available evidence is currently insufficient to determine the role of this variant in disease. Therefore, it has been classified as a Variant of Uncertain Significance.

Literature cited by the submitters: PubMed 29378236; PubMed 36228738.